The following is an entry in ClinVar:

NM_002890.3(RASA1):c.22A>C (p.Ser8Arg)

Gene: RASA1 (RAS p21 protein activator 1; plus strand). Cytogenetic location: 5q14.3.
Variant type: single nucleotide variant.
Coding change: c.22A>C on transcript NM_002890.3 (MANE Select); coding-DNA position 22, A replaced by C.
Protein change: p.Ser8Arg; replaces serine 8 with arginine.
Molecular consequence: missense variant.
Genome position (GRCh38, 1-based): chr5:87,268,473, A>C. VCF-style: chr5-87268473-A-C. GRCh37 (hg19) VCF-style: chr5-86564290-A-C.
Other names: short protein forms S8R.
Identifiers: ClinVar variation 2624992 (VCV002624992.2), dbSNP rs1176105751, ClinGen allele CA360416624.

ClinVar aggregate classification (germline): Uncertain significance (1 of 4 stars; one submission).

Conditions:
Cardiovascular phenotype. Identifiers: MedGen CN230736.

Allele frequency attached by ClinVar (database versions not stated): gnomAD exomes below 0.00001; TOPMed below 0.00001; gnomAD 0.00001.
gnomAD v4.1: 3 of 1,552,890 alleles (0.00019%); highest among the groups gnomAD compares: Non-Finnish European, 0.00017%; no homozygotes.

Submission:

Ambry Genetics
Classification: Uncertain significance for Cardiovascular phenotype. Last evaluated: 2023-07-03. Review status: criteria provided, single submitter. Criteria: Ambry Variant Classification Scheme 2023. Collection method: clinical testing. Allele origin: germline.
Comment: The p.S8R variant (also known as c.22A>C), located in coding exon 1 of the RASA1 gene, results from an A to C substitution at nucleotide position 22. The serine at codon 8 is replaced by arginine, an amino acid with dissimilar properties. This amino acid position is conserved. In addition, this alteration is predicted to be tolerated by in silico analysis. Since supporting evidence is limited at this time, the clinical significance of this alteration remains unclear.